The following is an entry in ClinVar:

ClinVar aggregate classification (germline): Uncertain significance (1 of 4 stars; one submission).

Allele frequency attached by ClinVar (database versions not stated): TOPMed below 0.00001.

Submission:

Labcorp Genetics (formerly Invitae), Labcorp
Classification: Uncertain significance. Last evaluated: 2023-11-06. Review status: criteria provided, single submitter. Criteria: Invitae Variant Classification Sherloc (09022015). Collection method: clinical testing. Allele origin: germline.
Comment: This sequence change replaces methionine, which is neutral and non-polar, with isoleucine, which is neutral and non-polar, at codon 406 of the PPP3CA protein (p.Met406Ile). This variant is not present in population databases (gnomAD no frequency). This variant has not been reported in the literature in individuals affected with PPP3CA-related conditions. ClinVar contains an entry for this variant (Variation ID: 945449). Advanced modeling of protein sequence and biophysical properties (such as structural, functional, and spatial information, amino acid conservation, physicochemical variation, residue mobility, and thermodynamic stability) performed at Invitae indicates that this missense variant is not expected to disrupt PPP3CA protein function with a negative predictive value of 80%. In summary, the available evidence is currently insufficient to determine the role of this variant in disease. Therefore, it has been classified as a Variant of Uncertain Significance.

NM_000944.5(PPP3CA):c.1218G>A (p.Met406Ile)

Gene: PPP3CA (protein phosphatase 3 catalytic subunit alpha; minus strand). Cytogenetic location: 4q24.
Variant type: single nucleotide variant.
Coding change: c.1218G>A on transcript NM_000944.5 (MANE Select); coding-DNA position 1218, G replaced by A.
Protein change: p.Met406Ile; replaces methionine 406 with isoleucine.
Molecular consequence: missense variant.
Genome position (GRCh38, 1-based): chr4:101,040,505, C>T on the plus strand (G>A on the coding strand, the complement: PPP3CA is on the minus strand). VCF-style: chr4-101040505-C-T. GRCh37 (hg19) VCF-style: chr4-101961662-C-T.
Other names: c.1218G>A, p.Met406Ile (NM_001130691.2); c.1092G>A, p.Met364Ile (NM_001130692.2); short protein forms M406I, M364I.
Identifiers: ClinVar variation 945449 (VCV000945449.6), dbSNP rs1727467178, ClinGen allele CA357948228.